The following is an entry in ClinVar:

NM_000085.5(CLCNKB):c.1395G>T (p.Gly465=)

Genes: CLCNKB (chloride voltage-gated channel Kb; plus strand), LOC106501713 (CLCNKB recombination region; plus strand). Cytogenetic location: 1p36.13.
Variant type: single nucleotide variant.
Coding change: c.1395G>T on transcript NM_000085.5 (MANE Select); coding-DNA position 1395, G replaced by T.
Protein change: p.Gly465=; no amino-acid change (glycine 465 retained).
Molecular consequence: synonymous variant.
Genome position (GRCh38, 1-based): chr1:16,051,807, G>T. VCF-style: chr1-16051807-G-T. GRCh37 (hg19) VCF-style: chr1-16378302-G-T.
Other names: p.Gly465=; c.888G>T, p.Gly296= (NM_001165945.2).
Identifiers: ClinVar variation 1949594 (VCV001949594.6), dbSNP rs750711107, ClinGen allele CA623837.
Genomic context (GRCh38, chr1:16,051,807, plus strand): 5'-TTTTATCTTCCCTGAGGGCATCGTGGCTGGAGGGATCACCAATCCCATCATGCCAGGGGG[G>T]TATGCTCTGGCAGGTGAGTGGGTCAGGGGCCTGCTGCGTGGGCAATGTCGTGCGGCTGGG-3'
Protein context (NP_000076.2, residues 455-475): GGITNPIMPG[Gly465=]YALAGAAAFS

ClinVar aggregate classification (germline): Likely benign. Review status: criteria provided, multiple submitters, no conflicts (2 of 4 stars). 2 submissions from 2 submitters: Likely benign (2). Last evaluated 2025-01-31.

Allele frequency attached by ClinVar (database versions not stated): ExAC 0.00001.
gnomAD v4.1: 3 of 1,612,176 alleles (0.00019%); highest among the groups gnomAD compares: Non-Finnish European, 0.00025%; no homozygotes.

Submissions (2):

Mayo Clinic Laboratories, Mayo Clinic
Classification: Likely benign. Last evaluated: 2025-01-31. Review status: criteria provided, single submitter. Criteria: ACMG Guidelines, 2015. Collection method: clinical testing. Allele origin: germline. Observed: 1 variant allele.
Comment: BP4, BP7

Labcorp Genetics (formerly Invitae), Labcorp
Classification: Likely benign. Last evaluated: 2023-10-03. Review status: criteria provided, single submitter. Criteria: Invitae Variant Classification Sherloc (09022015). Collection method: clinical testing. Allele origin: germline.